The following is an entry in ClinVar:

NM_004252.5(NHERF1):c.466A>G (p.Thr156Ala)

Gene: NHERF1 (NHERF family PDZ scaffold protein 1; plus strand). Cytogenetic location: 17q25.1.
Variant type: single nucleotide variant.
Coding change: c.466A>G on transcript NM_004252.5 (MANE Select); coding-DNA position 466, A replaced by G.
Protein change: p.Thr156Ala; replaces threonine 156 with alanine.
Molecular consequence: missense variant.
Genome position (GRCh38, 1-based): chr17:74,762,036, A>G. VCF-style: chr17-74762036-A-G. GRCh37 (hg19) VCF-style: chr17-72758175-A-G.
Other names: short protein forms T156A.
Identifiers: ClinVar variation 2993870 (VCV002993870.3), dbSNP rs775166247, ClinGen allele CA8750605.
Genomic context (GRCh38, chr17:74,762,036, plus strand): 5'-TGTGGAATAGCCATGGACCCTCCCCTGTCCCTGCAGCGCGAGCTTCGGCCTCGGCTCTGT[A>G]CCATGAAGAAGGGCCCCAGTGGCTATGGCTTCAACCTGCACAGCGACAAGTCCAAGCCAG-3'
Protein context (NP_004243.1, residues 146-166): EQRELRPRLC[Thr156Ala]MKKGPSGYGF

ClinVar aggregate classification (germline): Uncertain significance (1 of 4 stars; one submission).

Allele frequency attached by ClinVar (database versions not stated): gnomAD exomes below 0.00001; ExAC 0.00002.
gnomAD v4.1: 1 of 1,614,116 alleles (0.000062%); highest among the groups gnomAD compares: Non-Finnish European, 0.000085%; no homozygotes.

Submission:

Labcorp Genetics (formerly Invitae), Labcorp
Classification: Uncertain significance. Last evaluated: 2022-06-27. Review status: criteria provided, single submitter. Criteria: Invitae Variant Classification Sherloc (09022015). Collection method: clinical testing. Allele origin: germline.
Comment: This sequence change replaces threonine, which is neutral and polar, with alanine, which is neutral and non-polar, at codon 156 of the SLC9A3R1 protein (p.Thr156Ala). This variant is present in population databases (rs775166247, gnomAD 0.002%). This variant has not been reported in the literature in individuals affected with SLC9A3R1-related conditions. Algorithms developed to predict the effect of missense changes on protein structure and function output the following: SIFT: "Tolerated"; PolyPhen-2: "Benign"; Align-GVGD: "Class C0". The alanine amino acid residue is found in multiple mammalian species, which suggests that this missense change does not adversely affect protein function. Experimental studies have shown that this missense change affects SLC9A3R1 function (PMID: 26862730). In summary, the available evidence is currently insufficient to determine the role of this variant in disease. Therefore, it has been classified as a Variant of Uncertain Significance.

Literature cited by the submitters: PubMed 26862730.